The following is an entry in ClinVar:

ClinVar aggregate classification (germline): Likely benign (0 of 4 stars; one submission).

Conditions:
LRP1-related disorder. Also called: LRP1-related condition.

Allele frequency attached by ClinVar (database versions not stated): TOPMed 0.00013; gnomAD exomes 0.00014; ExAC 0.00015; gnomAD 0.00015.
gnomAD v4.1: 217 of 1,596,368 alleles (0.014%); highest among the groups gnomAD compares: Middle Eastern, 0.17%; 1 homozygote.

Submission:

PreventionGenetics, part of Exact Sciences
Classification: Likely benign for LRP1-related condition. Last evaluated: 2019-06-24. Review status: no assertion criteria provided. Collection method: clinical testing. Allele origin: germline.
Comment: This variant is classified as likely benign based on ACMG/AMP sequence variant interpretation guidelines (Richards et al. 2015 PMID: 25741868, with internal and published modifications).

NM_002332.3(LRP1):c.9909C>T (p.Asn3303=)

Gene: LRP1 (LDL receptor related protein 1; plus strand). Cytogenetic location: 12q13.3.
Variant type: single nucleotide variant.
Coding change: c.9909C>T on transcript NM_002332.3 (MANE Select); coding-DNA position 9909, C replaced by T.
Protein change: p.Asn3303=; no amino-acid change (asparagine 3303 retained).
Molecular consequence: synonymous variant.
Genome position (GRCh38, 1-based): chr12:57,199,920, C>T. VCF-style: chr12-57199920-C-T. GRCh37 (hg19) VCF-style: chr12-57593703-C-T.
Identifiers: ClinVar variation 3042983 (VCV003042983.2), dbSNP rs201012424, ClinGen allele CA6644825.